The following is an entry in ClinVar:

ClinVar aggregate classification (germline): Benign/Likely benign. Review status: criteria provided, multiple submitters, no conflicts (2 of 4 stars). 11 submissions from 11 submitters: Benign (1); Likely benign (9). 1 of the submissions does not count toward it. Last evaluated 2026-09-01.

Conditions:
COL3A1-related disorder. Also called: COL3A1-related condition.
Ehlers-Danlos syndrome (EDS). Identifiers: Orphanet 98249, MedGen C0013720, MONDO:0020066.
Familial thoracic aortic aneurysm and aortic dissection (TAAD). Also called: Thoracic aortic aneurysms and dissections. Identifiers: Orphanet 91387, MedGen C4707243, MONDO:0019625.
Ehlers-Danlos syndrome, type 4 (EDSVASC). Also called: Ehlers-Danlos syndrome vascular type; Ehlers Danlos syndrome, ecchymotic type; Ehlers Danlos syndrome, arterial type; Ehlers Danlos syndrome, Sack-Barabas type; Ehlers-Danlos Syndrome Type IV. Identifiers: Orphanet 286, MedGen C0268338, MONDO:0017314, OMIM 130050.

Allele frequency attached by ClinVar (database versions not stated): 1000 Genomes Project 30x 0.00016; gnomAD 0.00016; 1000 Genomes Project 0.00020; TOPMed 0.00042; gnomAD exomes 0.00046 and 0.00056; ExAC 0.00048; ESP Exome Variant Server 0.00077.
gnomAD v4.1: 873 of 1,612,842 alleles (0.054%); highest among the groups gnomAD compares: Middle Eastern, 0.092%; 1 homozygote.

Submissions (13):

CeGaT Center for Human Genetics Tuebingen
Classification: Likely benign. Last evaluated: 2026-09-01. Review status: criteria provided, single submitter. Criteria: CeGaT Center For Human Genetics Tuebingen Variant Classification Criteria Version 2. Collection method: clinical testing. Allele origin: germline. Affected: yes. Observed: 14 variant alleles.
Comment: COL3A1: BP4

Labcorp Genetics (formerly Invitae), Labcorp
Classification: Likely benign for Ehlers-Danlos syndrome, type 4. Last evaluated: 2026-02-01. Review status: criteria provided, single submitter. Criteria: Invitae Variant Classification Sherloc (09022015). Collection method: clinical testing. Allele origin: germline.

Mayo Clinic Laboratories, Mayo Clinic
Classification: Likely benign. Last evaluated: 2024-11-19. Review status: criteria provided, single submitter. Criteria: ACMG Guidelines, 2015. Collection method: clinical testing. Allele origin: germline. Observed: 11 variant alleles.
Comment: BS1, BP4, BP7

Blueprint Genetics
Classification: Likely benign. Last evaluated: 2024-11-08. Review status: criteria provided, single submitter. Criteria: ACMG Guidelines, 2015. Collection method: clinical testing. Allele origin: germline.

All of Us Research Program, National Institutes of Health
Classification: Likely benign for Ehlers-Danlos syndrome, type 4. Last evaluated: 2024-02-05. Review status: criteria provided, single submitter. Criteria: ACMG Guidelines, 2015. Collection method: clinical testing. Allele origin: germline. Inheritance: Autosomal dominant inheritance. Observed: 144 variant alleles, 144 heterozygotes.
Comment: This study involves interpretation of variants in research participants for the purpose of population health screening. Participant phenotype was not available at the time of variant classification. Additional details can be found in publication PMID: 35346344, PMCID: PMC8962531

Genome Diagnostics Laboratory, The Hospital for Sick Children
Classification: Likely benign for Ehlers-Danlos syndrome. Last evaluated: 2020-05-01. Review status: criteria provided, single submitter. Criteria: ACMG Guidelines, 2015. Collection method: clinical testing. Allele origin: germline.

CHEO Genetics Diagnostic Laboratory, Children's Hospital of Eastern Ontario
Classification: Benign for Familial thoracic aortic aneurysm and aortic dissection. Last evaluated: 2018-07-20. Review status: criteria provided, single submitter. Criteria: ACMG Guidelines, 2015. Collection method: clinical testing. Allele origin: germline.

Color Diagnostics, LLC DBA Color Health
Classification: Likely benign for Familial thoracic aortic aneurysm and aortic dissection. Last evaluated: 2018-07-02. Review status: criteria provided, single submitter. Criteria: ACMG Guidelines, 2015. Collection method: clinical testing. Allele origin: germline.

GeneDx
Classification: Likely benign. Last evaluated: 2017-12-15. Review status: criteria provided, single submitter. Criteria: GeneDx Variant Classification (06012015). Collection method: clinical testing. Allele origin: germline. Affected: yes.
Comment: This variant is considered likely benign or benign based on one or more of the following criteria: it is a conservative change, it occurs at a poorly conserved position in the protein, it is predicted to be benign by multiple in silico algorithms, and/or has population frequency not consistent with disease.

Ambry Genetics
Classification: Likely benign for Familial thoracic aortic aneurysm and aortic dissection. Last evaluated: 2016-11-02. Review status: criteria provided, single submitter. Criteria: Ambry Variant Classification Scheme 2023. Collection method: clinical testing. Allele origin: germline.

PreventionGenetics, part of Exact Sciences
Classification: Likely benign for COL3A1-related condition. Last evaluated: 2020-06-08. Review status: no assertion criteria provided. Collection method: clinical testing. Allele origin: germline. Not counted in ClinVar's aggregate classification.
Comment: This variant is classified as likely benign based on ACMG/AMP sequence variant interpretation guidelines (Richards et al. 2015 PMID: 25741868, with internal and published modifications).

Dr. Peter K. Rogan Lab, Western University
No classification provided (evidence only). Condition: Familial cancer of breast. Review status: no classification provided. Collection method: in vitro. Allele origin: not applicable. Functional consequence: retained intron. Not counted in ClinVar's aggregate classification.

Dr. Peter K. Rogan Lab, Western University
No classification provided (evidence only). Condition: Familial pancreatic carcinoma. Review status: no classification provided. Collection method: in vitro. Allele origin: not applicable. Functional consequence: retained intron. Not counted in ClinVar's aggregate classification.

NM_000090.4(COL3A1):c.2700C>T (p.Gly900=)

Gene: COL3A1 (collagen type III alpha 1 chain; plus strand). Cytogenetic location: 2q32.2.
Variant type: single nucleotide variant.
Coding change: c.2700C>T on transcript NM_000090.4 (MANE Select); coding-DNA position 2700, C replaced by T.
Protein change: p.Gly900=; no amino-acid change (glycine 900 retained).
Molecular consequence: synonymous variant.
Genome position (GRCh38, 1-based): chr2:189,004,020, C>T. VCF-style: chr2-189004020-C-T. GRCh37 (hg19) VCF-style: chr2-189868746-C-T.
Other names: p.G900G:GGC>GGT; p.Gly900=.
Identifiers: ClinVar variation 199702 (VCV000199702.67), dbSNP rs112164939, ClinGen allele CA005619.
Genomic context (GRCh38, chr2:189,004,020, plus strand): 5'-AATTTCAAACAATTATTTGTAGGGTAACCCAGGACCCCCAGGTCCCAGCGGTTCTCCAGG[C>T]AAGGATGGGCCCCCAGGTCCTGCGGGTAACACTGGTGCTCCTGGCAGCCCTGGAGTGTCT-3'
Protein context (NP_000081.2, residues 890-910): PGPPGPSGSP[Gly900=]KDGPPGPAGN